The following is an entry in ClinVar:

NM_000554.6(CRX):c.*118C>A

Gene: CRX (cone-rod homeobox; plus strand). Cytogenetic location: 19q13.33.
Variant type: single nucleotide variant.
Coding change: c.*118C>A on transcript NM_000554.6 (MANE Select); 118 bases downstream of the stop codon, C replaced by A.
Molecular consequence: 3 prime UTR variant.
Genome position (GRCh38, 1-based): chr19:47,840,085, C>A. VCF-style: chr19-47840085-C-A. GRCh37 (hg19) VCF-style: chr19-48343342-C-A.
Identifiers: ClinVar variation 329702 (VCV000329702.5), dbSNP rs543729483, ClinGen allele CA10652624.

ClinVar aggregate classification (germline): Conflicting classifications of pathogenicity. Review status: criteria provided, conflicting classifications (1 of 4 stars). 3 submissions from 1 submitter: Uncertain significance (1); Benign (1); Likely benign (1). Last evaluated 2018-01-12.

Conditions:
Leber congenital amaurosis 7 (LCA7). Identifiers: Orphanet 65, MedGen C3151192, MONDO:0013449, OMIM 613829.
Retinitis pigmentosa (RP). Identifiers: Orphanet 791, MedGen C0035334, MeSH D012174, MONDO:0019200, OMIM 268000. Inheritance: Autosomal dominant, autosomal recessive and X linked inheritance.
Cone-rod dystrophy 2 (CORD2). Also called: CONE-ROD RETINAL DYSTROPHY; Cone-rod retinal dystrophy 2. Identifiers: Orphanet 1872, MedGen C3489532, MONDO:0007362, OMIM 120970.

Allele frequency attached by ClinVar (database versions not stated): TOPMed 0.00040; gnomAD exomes 0.00073; 1000 Genomes Project 30x 0.00078; 1000 Genomes Project 0.00100; gnomAD 0.00030 and 0.00039.
gnomAD v4.1: 820 of 1,211,318 alleles (0.068%); highest among the groups gnomAD compares: South Asian, 0.36%; 6 homozygotes.

Submissions (3):

Illumina Laboratory Services, Illumina
Classification: Uncertain significance for Leber congenital amaurosis 7. Last evaluated: 2018-01-12. Review status: criteria provided, single submitter. Criteria: ICSL Variant Classification Criteria 13 December 2019. Collection method: clinical testing. Allele origin: germline.

Illumina Laboratory Services, Illumina
Classification: Likely benign for Retinitis pigmentosa. Last evaluated: 2018-01-12. Review status: criteria provided, single submitter. Criteria: ICSL Variant Classification Criteria 13 December 2019. Collection method: clinical testing. Allele origin: germline.
Comment: This variant was observed in the ICSL laboratory as part of a predisposition screen in an ostensibly healthy population. It had not been previously curated by ICSL or reported in the Human Gene Mutation Database (HGMD: prior to June 1st, 2018), and was therefore a candidate for classification through an automated scoring system. Utilizing variant allele frequency, disease prevalence and penetrance estimates, and inheritance mode, an automated score was calculated to assess if this variant is too frequent to cause the disease. Based on the score and internal cut-off values, a variant classified as likely benign is not then subjected to further curation. The score for this variant resulted in a classification of likely benign for this disease.

Illumina Laboratory Services, Illumina
Classification: Benign for Cone-rod dystrophy 2. Last evaluated: 2018-01-12. Review status: criteria provided, single submitter. Criteria: ICSL Variant Classification Criteria 13 December 2019. Collection method: clinical testing. Allele origin: germline.
Comment: This variant was observed in the ICSL laboratory as part of a predisposition screen in an ostensibly healthy population. It had not been previously curated by ICSL or reported in the Human Gene Mutation Database (HGMD: prior to June 1st, 2018), and was therefore a candidate for classification through an automated scoring system. Utilizing variant allele frequency, disease prevalence and penetrance estimates, and inheritance mode, an automated score was calculated to assess if this variant is too frequent to cause the disease. Based on the score and internal cut-off values, a variant classified as benign is not then subjected to further curation. The score for this variant resulted in a classification of benign for this disease.